The following is an entry in ClinVar:

ClinVar aggregate classification (germline): Uncertain significance (1 of 4 stars; one submission).

Conditions:
Hereditary cancer-predisposing syndrome. Also called: Neoplastic Syndromes, Hereditary; Tumor predisposition; Hereditary Cancer Syndrome; Hereditary neoplastic syndrome. Identifiers: Orphanet 140162, MedGen C0027672, MeSH D009386, MONDO:0015356.

Submission:

Ambry Genetics
Classification: Uncertain significance for Hereditary cancer-predisposing syndrome. Last evaluated: 2020-09-08. Review status: criteria provided, single submitter. Criteria: Ambry Variant Classification Scheme 2023. Collection method: clinical testing. Allele origin: germline.
Comment: The p.F1326L variant (also known as c.3978T>G), located in coding exon 20 of the BLM gene, results from a T to G substitution at nucleotide position 3978. The phenylalanine at codon 1326 is replaced by leucine, an amino acid with highly similar properties. This amino acid position is well conserved in available vertebrate species. In addition, the in silico prediction for this alteration is inconclusive. Since supporting evidence is limited at this time, the clinical significance of this alteration remains unclear.

NM_000057.4(BLM):c.3978T>G (p.Phe1326Leu)

Gene: BLM (BLM RecQ like helicase; plus strand). Cytogenetic location: 15q26.1.
Variant type: single nucleotide variant.
Coding change: c.3978T>G on transcript NM_000057.4 (MANE Select); coding-DNA position 3978, T replaced by G.
Protein change: p.Phe1326Leu; replaces phenylalanine 1326 with leucine.
Molecular consequence: missense variant.
Genome position (GRCh38, 1-based): chr15:90,811,308, T>G. VCF-style: chr15-90811308-T-G. GRCh37 (hg19) VCF-style: chr15-91354538-T-G.
Other names: c.3978T>G, p.Phe1326Leu (NM_001287246.2); c.3585T>G, p.Phe1195Leu (NM_001287247.2); c.2853T>G, p.Phe951Leu (NM_001287248.2); short protein forms F951L, F1195L, F1326L.
Identifiers: ClinVar variation 1736668 (VCV001736668.2), dbSNP rs1265868495, ClinGen allele CA393851014.
Genomic context (GRCh38, chr15:90,811,308, plus strand): 5'-CCCCGGAAGAAGTGCCGCTGAGGAGCTCGACGAGGAAATACCCGTATCTTCCCACTACTT[T>G]GCAAGTAAAACCAGAAATGAAAGGAAGAGGAAAAAGATGCCAGCCTCCCAAAGGTCTAAG-3'
Protein context (NP_000048.1, residues 1316-1336): DEEIPVSSHY[Phe1326Leu]ASKTRNERKR